The following is an entry in ClinVar:

ClinVar aggregate classification (germline): Uncertain significance (1 of 4 stars; one submission).

Conditions:
Hereditary cancer-predisposing syndrome. Also called: Hereditary neoplastic syndrome; Hereditary Cancer Syndrome; Neoplastic Syndromes, Hereditary; Tumor predisposition. Identifiers: Orphanet 140162, MedGen C0027672, MeSH D009386, MONDO:0015356.

Submission:

Ambry Genetics
Classification: Uncertain significance for Hereditary cancer-predisposing syndrome. Last evaluated: 2023-06-10. Review status: criteria provided, single submitter. Criteria: Ambry Variant Classification Scheme 2023. Collection method: clinical testing. Allele origin: germline.
Comment: The p.I841T variant (also known as c.2522T>C), located in coding exon 18 of the KIT gene, results from a T to C substitution at nucleotide position 2522. The isoleucine at codon 841 is replaced by threonine, an amino acid with similar properties. This amino acid position is conserved. In addition, this alteration is predicted to be deleterious by in silico analysis. Since supporting evidence is limited at this time, the clinical significance of this alteration remains unclear.

NM_000222.3(KIT):c.2522T>C (p.Ile841Thr)

Gene: KIT (KIT proto-oncogene, receptor tyrosine kinase; plus strand). Cytogenetic location: 4q12.
Variant type: single nucleotide variant.
Coding change: c.2522T>C on transcript NM_000222.3 (MANE Select); coding-DNA position 2522, T replaced by C.
Protein change: p.Ile841Thr; replaces isoleucine 841 with threonine.
Molecular consequence: missense variant.
Genome position (GRCh38, 1-based): chr4:54,736,535, T>C. VCF-style: chr4-54736535-T-C. GRCh37 (hg19) VCF-style: chr4-55602701-T-C.
Other names: c.2510T>C, p.Ile837Thr (NM_001093772.2, NM_001385292.1); c.2525T>C, p.Ile842Thr (NM_001385284.1); c.2519T>C, p.Ile840Thr (NM_001385285.1); c.2507T>C, p.Ile836Thr (NM_001385286.1); c.2513T>C, p.Ile838Thr (NM_001385288.1); c.2522T>C, p.Ile841Thr (NM_001385290.1); short protein forms I842T, I836T, I837T, I840T, I841T, I838T.
Identifiers: ClinVar variation 2568320 (VCV002568320.2), dbSNP rs2475582473, ClinGen allele CA356913068.